The following is an entry in ClinVar:

ClinVar aggregate classification (germline): Uncertain significance (1 of 4 stars; one submission).

Conditions:
Hereditary spastic paraplegia 11. Also called: Spastic paraplegia, mental retardation and thin corpus callosum; Nakamura Osame syndrome; Autosomal recessive hereditary spastic paraplegia, mental impairment, and thin corpus callosum; SPASTIC PARAPLEGIA, AUTOSOMAL RECESSIVE, COMPLICATED, WITH THIN CORPUS CALLOSUM; SPASTIC PARAPLEGIA, AUTOSOMAL RECESSIVE, WITH MENTAL IMPAIRMENT AND THIN CORPUS CALLOSUM; Spastic Paraplegia 11. Identifiers: Orphanet 2822, MedGen C1858479, MONDO:0011445, OMIM 604360.

Submission:

Labcorp Genetics (formerly Invitae), Labcorp
Classification: Uncertain significance for Hereditary spastic paraplegia 11. Last evaluated: 2020-08-27. Review status: criteria provided, single submitter. Criteria: Invitae Variant Classification Sherloc (09022015). Collection method: clinical testing. Allele origin: germline.
Comment: This variant results in a copy number gain of the genomic region encompassing the full coding sequence of the SPG11 gene. The boundaries of this event are unknown as they extend beyond the assayed region for this gene and therefore may encompass additional genes. As the precise location of this event is unknown, it may be in tandem or it may be located elsewhere in the genome. This variant has not been reported in the literature in individuals with SPG11-related conditions. In summary, the available evidence is currently insufficient to determine the role of this variant in disease. Therefore, it has been classified as a Variant of Uncertain Significance.

NC_000015.10:g.(?_44563111)_(44860174_?)dup

Genes: B2M (beta-2-microglobulin; plus strand), PATL2 (PAT1 homolog 2; minus strand), SPG11 (SPG11 vesicle trafficking associated, spatacsin; minus strand), TRIM69 (tripartite motif containing 69; plus strand). Cytogenetic location: 15q21.1.
Variant type: Duplication.
Identifiers: ClinVar variation 833124 (VCV000833124.3).